The following is an entry in ClinVar:

ClinVar aggregate classification (germline): Uncertain significance (1 of 4 stars; one submission).

gnomAD v4.1: 2 of 1,595,826 alleles (0.00013%); highest among the groups gnomAD compares: East Asian, 0.0023%; no homozygotes.

Submission:

CeGaT Center for Human Genetics Tuebingen
Classification: Uncertain significance. Last evaluated: 2025-07-01. Review status: criteria provided, single submitter. Criteria: CeGaT Center For Human Genetics Tuebingen Variant Classification Criteria Version 2. Collection method: clinical testing. Allele origin: germline. Affected: yes. Observed: 1 variant allele.
Comment: PLA2G6: PM2, PM1:Supporting, PM5:Supporting, PP3

NM_003560.4(PLA2G6):c.1921C>T (p.Pro641Ser)

Gene: PLA2G6 (phospholipase A2 group VI; minus strand). Cytogenetic location: 22q13.1.
Variant type: single nucleotide variant.
Coding change: c.1921C>T on transcript NM_003560.4 (MANE Select); coding-DNA position 1921, C replaced by T.
Protein change: p.Pro641Ser; replaces proline 641 with serine.
Molecular consequence: missense variant.
Genome position (GRCh38, 1-based): chr22:38,115,640, G>A on the plus strand (C>T on the coding strand, the complement: PLA2G6 is on the minus strand). VCF-style: chr22-38115640-G-A. GRCh37 (hg19) VCF-style: chr22-38511647-G-A.
Other names: c.1759C>T, p.Pro587Ser (NM_001004426.3, NM_001199562.3, NM_001349865.2 and 1 more transcripts); c.1921C>T, p.Pro641Ser (NM_001349864.2); c.1387C>T, p.Pro463Ser (NM_001349867.2); c.1243C>T, p.Pro415Ser (NM_001349868.2); c.1225C>T, p.Pro409Ser (NM_001349869.2); short protein forms P409S, P415S, P463S, P587S, P641S.
Identifiers: ClinVar variation 4085449 (VCV004085449.8).